The following is an entry in ClinVar:

NM_144687.4(NLRP12):c.1034C>T (p.Thr345Met)

Gene: NLRP12 (NLR family pyrin domain containing 12; minus strand). Cytogenetic location: 19q13.42.
Variant type: single nucleotide variant.
Coding change: c.1034C>T on transcript NM_144687.4 (MANE Select); coding-DNA position 1034, C replaced by T.
Protein change: p.Thr345Met; replaces threonine 345 with methionine.
Molecular consequence: missense variant.
Genome position (GRCh38, 1-based): chr19:53,810,625, G>A on the plus strand (C>T on the coding strand, the complement: NLRP12 is on the minus strand). VCF-style: chr19-53810625-G-A. GRCh37 (hg19) VCF-style: chr19-54313879-G-A.
Other names: c.1034C>T, p.Thr345Met (NM_001277126.2, NM_001277129.1); short protein forms T345M.
Identifiers: ClinVar variation 3697177 (VCV003697177.2).

ClinVar aggregate classification (germline): Uncertain significance (1 of 4 stars; one submission).

Conditions:
Familial cold autoinflammatory syndrome 2 (FCAS2). Identifiers: Orphanet 247868, MedGen C2673198, MONDO:0012724, OMIM 611762.

Submission:

Labcorp Genetics (formerly Invitae), Labcorp
Classification: Uncertain significance for Familial cold autoinflammatory syndrome 2. Last evaluated: 2025-01-20. Review status: criteria provided, single submitter. Criteria: Invitae Variant Classification Sherloc (09022015). Collection method: clinical testing. Allele origin: germline.
Comment: This sequence change replaces threonine, which is neutral and polar, with methionine, which is neutral and non-polar, at codon 345 of the NLRP12 protein (p.Thr345Met). This variant is not present in population databases (gnomAD no frequency). This variant has not been reported in the literature in individuals affected with NLRP12-related conditions. Invitae Evidence Modeling of protein sequence and biophysical properties (such as structural, functional, and spatial information, amino acid conservation, physicochemical variation, residue mobility, and thermodynamic stability) indicates that this missense variant is not expected to disrupt NLRP12 protein function with a negative predictive value of 80%. In summary, the available evidence is currently insufficient to determine the role of this variant in disease. Therefore, it has been classified as a Variant of Uncertain Significance.